The following is an entry in ClinVar:

ClinVar aggregate classification (germline): Pathogenic (1 of 4 stars; one submission).

Conditions:
Neurodevelopmental disorder with hypotonia, stereotypic hand movements, and impaired language. Also called: Intellectual disability, autosomal dominant 20. Identifiers: Orphanet 228384, Orphanet 664410, MedGen C3150700, MONDO:0013266, OMIM 613443.

Submission:

Molecular Genetics Department, Kulakov National Medical Research Center for Obstetrics, Gynecology and Perinatology
Classification: Pathogenic for Neurodevelopmental disorder with hypotonia, stereotypic hand movements, and impaired language. Review status: criteria provided, single submitter. Criteria: ACMG Guidelines, 2015. Collection method: clinical testing. Allele origin: de novo. Affected: yes. Observed: 1 variant allele.
Comment: A previously undescribed heterozygous nucleotide variant creates an alteration of the canonical splice site c.55-1G>A in the MEF2C gene. Heterozygous variants are reported in patients with neurodevelopmental disorder with hypotonia, stereotypic hand movements, and impaired language, 613443. The variant is not present in population database (gnomAD no frequency). Sanger sequencing revealed that the variant arose de novo (parentage confirmed). In summary, this variant has been classified as pathogenic.

NM_002397.5(MEF2C):c.55-1G>A

Gene: MEF2C (myocyte enhancer factor 2C; minus strand). Cytogenetic location: 5q14.3.
Variant type: single nucleotide variant.
Coding change: c.55-1G>A on transcript NM_002397.5 (MANE Select); the canonical splice acceptor site of the intron before coding-DNA position 55, G replaced by A.
Molecular consequence: splice acceptor variant.
Genome position (GRCh38, 1-based): chr5:88,804,802, C>T on the plus strand (G>A on the coding strand, the complement: MEF2C is on the minus strand). VCF-style: chr5-88804802-C-T. GRCh37 (hg19) VCF-style: chr5-88100619-C-T.
Other names: c.55-1G>A (NM_001364329.2, NM_001364330.2, NM_001364333.2 and 29 more transcripts).
Identifiers: ClinVar variation 4294478 (VCV004294478.1).